The following is an entry in ClinVar:

ClinVar aggregate classification (germline): Uncertain significance (1 of 4 stars; one submission).

Allele frequency attached by ClinVar (database versions not stated): gnomAD exomes below 0.00001; gnomAD 0.00001; TOPMed 0.00002.
gnomAD v4.1: 7 of 1,614,080 alleles (0.00043%); highest among the groups gnomAD compares: East Asian, 0.0022%; no homozygotes.

Submission:

Labcorp Genetics (formerly Invitae), Labcorp
Classification: Uncertain significance. Last evaluated: 2024-08-04. Review status: criteria provided, single submitter. Criteria: Invitae Variant Classification Sherloc (09022015). Collection method: clinical testing. Allele origin: germline.
Comment: This sequence change replaces proline, which is neutral and non-polar, with leucine, which is neutral and non-polar, at codon 303 of the HYOU1 protein (p.Pro303Leu). This variant is present in population databases (rs782204247, gnomAD 0.006%). This variant has not been reported in the literature in individuals affected with HYOU1-related conditions. ClinVar contains an entry for this variant (Variation ID: 1424518). An algorithm developed to predict the effect of missense changes on protein structure and function (PolyPhen-2) suggests that this variant is likely to be tolerated. In summary, the available evidence is currently insufficient to determine the role of this variant in disease. Therefore, it has been classified as a Variant of Uncertain Significance.

NM_006389.5(HYOU1):c.908C>T (p.Pro303Leu)

Gene: HYOU1 (hypoxia up-regulated 1; minus strand). Cytogenetic location: 11q23.3.
Variant type: single nucleotide variant.
Coding change: c.908C>T on transcript NM_006389.5 (MANE Select); coding-DNA position 908, C replaced by T.
Protein change: p.Pro303Leu; replaces proline 303 with leucine.
Molecular consequence: missense variant.
Genome position (GRCh38, 1-based): chr11:119,052,716, G>A on the plus strand (C>T on the coding strand, the complement: HYOU1 is on the minus strand). VCF-style: chr11-119052716-G-A. GRCh37 (hg19) VCF-style: chr11-118923428-G-A.
Other names: c.908C>T, p.Pro303Leu (NM_001130991.3); short protein forms P303L.
Identifiers: ClinVar variation 1424518 (VCV001424518.8), dbSNP rs782204247, ClinGen allele CA229623599.